The following is an entry in ClinVar:

NM_021614.4(KCNN2):c.1426T>G (p.Leu476Val)

Gene: KCNN2 (potassium calcium-activated channel subfamily N member 2; plus strand). Cytogenetic location: 5q22.3.
Variant type: single nucleotide variant.
Coding change: c.1426T>G on transcript NM_021614.4 (MANE Select); coding-DNA position 1426, T replaced by G.
Protein change: p.Leu476Val; replaces leucine 476 with valine.
Molecular consequence: missense variant.
Genome position (GRCh38, 1-based): chr5:114,404,645, T>G. VCF-style: chr5-114404645-T-G. GRCh37 (hg19) VCF-style: chr5-113740342-T-G.
Other names: c.1624T>G, p.Leu542Val (NM_001372233.1); short protein forms L476V, L542V.
Identifiers: ClinVar variation 4855350 (VCV004855350.1).
Genomic context (GRCh38, chr5:114,404,645, plus strand): 5'-TCCTATGCCCCATCCACAACCACCGCTGATGTGGATATTATTTTATCTATACCAATGTTC[T>G]TAAGACTCTATCTGATTGCCAGAGTCATGCTTTTACATAGCAAACTTTTCACTGATGCCT-3'
Protein context (NP_067627.3, residues 466-486): VDIILSIPMF[Leu476Val]RLYLIARVML

ClinVar aggregate classification (germline): Uncertain significance (1 of 4 stars; one submission).

Conditions:
Neurodevelopmental disorder with or without variable movement or behavioral abnormalities (NEDMAB). Identifiers: MedGen C5676908, MONDO:0859225, OMIM 619725.

Submission:

3billion
Classification: Uncertain significance for Neurodevelopmental disorder with or without variable movement or behavioral abnormalities. Last evaluated: 2025-10-21. Review status: criteria provided, single submitter. Criteria: ACMG Guidelines, 2015. Collection method: clinical testing. Allele origin: germline. Affected: yes.
Comment: The variant is not observed in the gnomAD v4.1.0 dataset. Predicted Consequence/Location: Missense variant In silico tool predictions suggest damaging effect of the variant on gene or gene product [3Cnet: 0.89 (> 0.75, sensitivity 0.96 and precision 0.92)]. Therefore, this variant is classified as VUS according to the recommendation of ACMG/AMP guideline.